The following is an entry in ClinVar:

ClinVar aggregate classification (germline): Uncertain significance (1 of 4 stars; one submission).

gnomAD v4.1: 6 of 1,396,892 alleles (0.00043%); highest among the groups gnomAD compares: Non-Finnish European, 0.00056%; no homozygotes.

Submission:

GeneDx
Classification: Uncertain significance. Last evaluated: 2023-07-24. Review status: criteria provided, single submitter. Criteria: GeneDx Variant Classification Process June 2021. Collection method: clinical testing. Allele origin: germline. Affected: yes.
Comment: Not observed at significant frequency in large population cohorts (gnomAD); In silico analysis supports that this missense variant does not alter protein structure/function; Has not been previously published as pathogenic or benign to our knowledge

NM_031475.3(ESPN):c.1759G>A (p.Ala587Thr)

Gene: ESPN (espin; plus strand). Cytogenetic location: 1p36.31.
Variant type: single nucleotide variant.
Coding change: c.1759G>A on transcript NM_031475.3 (MANE Select); coding-DNA position 1759, G replaced by A.
Protein change: p.Ala587Thr; replaces alanine 587 with threonine.
Molecular consequence: missense variant.
Genome position (GRCh38, 1-based): chr1:6,448,935, G>A. VCF-style: chr1-6448935-G-A. GRCh37 (hg19) VCF-style: chr1-6508995-G-A.
Other names: c.1669G>A, p.Ala557Thr (NM_001367473.1, NM_001367474.1); short protein forms A557T, A587T.
Identifiers: ClinVar variation 3361450 (VCV003361450.1).